The following is an entry in ClinVar:

ClinVar aggregate classification (germline): Likely benign. Review status: criteria provided, multiple submitters, no conflicts (2 of 4 stars). 3 submissions from 3 submitters: Likely benign (3). Last evaluated 2026-07-17.

Conditions:
Hypercholesterolemia, autosomal dominant, 3 (FHCL3). Also called: Familial Hypercholesterolemia, Autosomal Dominant, 3; Familial hypercholesterolemia 3; PCSK9-Related Familial Hypercholesterolemia, Autosomal Dominant. Identifiers: MedGen C1863551, MONDO:0011369, OMIM 603776.
Cardiovascular phenotype. Identifiers: MedGen CN230736.

gnomAD v4.1: 6 of 1,613,930 alleles (0.00037%); highest among the groups gnomAD compares: South Asian, 0.0033%; no homozygotes.

Submissions (3):

Ambry Genetics
Classification: Likely benign for Cardiovascular phenotype. Last evaluated: 2026-07-17. Review status: criteria provided, single submitter. Criteria: Ambry Variant Classification Scheme 2023. Collection method: clinical testing. Allele origin: germline.

Labcorp Genetics (formerly Invitae), Labcorp
Classification: Likely benign for Hypercholesterolemia, autosomal dominant, 3. Last evaluated: 2025-12-22. Review status: criteria provided, single submitter. Criteria: Invitae Variant Classification Sherloc (09022015). Collection method: clinical testing. Allele origin: germline.

All of Us Research Program, National Institutes of Health
Classification: Likely benign for Hypercholesterolemia, autosomal dominant, 3. Last evaluated: 2023-12-01. Review status: criteria provided, single submitter. Criteria: ACMG Guidelines, 2015. Collection method: clinical testing. Allele origin: germline. Inheritance: Autosomal dominant inheritance. Observed: 2 variant alleles, 2 heterozygotes.
Comment: This study involves interpretation of variants in research participants for the purpose of population health screening. Participant phenotype was not available at the time of variant classification. Additional details can be found in publication PMID: 35346344, PMCID: PMC8962531

NM_174936.4(PCSK9):c.2004C>T (p.Ser668=)

Gene: PCSK9 (proprotein convertase subtilisin/kexin type 9; plus strand). Cytogenetic location: 1p32.3.
Variant type: single nucleotide variant.
Coding change: c.2004C>T on transcript NM_174936.4 (MANE Select); coding-DNA position 2004, C replaced by T.
Protein change: p.Ser668=; no amino-acid change (serine 668 retained).
Molecular consequence: synonymous variant. On other transcripts: non-coding transcript variant (8).
Genome position (GRCh38, 1-based): chr1:55,063,509, C>T. VCF-style: chr1-55063509-C-T. GRCh37 (hg19) VCF-style: chr1-55529182-C-T.
Other names: c.2127C>T, p.Ser709= (NM_001407240.1); c.2046C>T, p.Ser682= (NM_001407241.1); c.2007C>T, p.Ser669= (NM_001407242.1); c.1947C>T, p.Ser649= (NM_001407243.1); c.1830C>T, p.Ser610= (NM_001407244.1); c.1812C>T, p.Ser604= (NM_001407245.1); c.1629C>T, p.Ser543= (NM_001407246.1); c.1503C>T, p.Ser501= (NM_001407247.1).
Identifiers: ClinVar variation 2767943 (VCV002767943.5), dbSNP rs762298323, ClinGen allele CA040246.